The following is an entry in ClinVar:

ClinVar aggregate classification (germline): Pathogenic (1 of 4 stars; one submission).

Conditions:
Maple syrup urine disease (MSUD). Identifiers: Orphanet 511, MedGen C0024776, MeSH D008375, MONDO:0009563. Disease mechanism: loss of function.

Submission:

Labcorp Genetics (formerly Invitae), Labcorp
Classification: Pathogenic for Maple syrup urine disease. Last evaluated: 2023-07-15. Review status: criteria provided, single submitter. Criteria: Invitae Variant Classification Sherloc (09022015). Collection method: clinical testing. Allele origin: germline.
Comment: This sequence change creates a premature translational stop signal (p.Phe337Leufs*28) in the BCKDHB gene. While this is not anticipated to result in nonsense mediated decay, it is expected to disrupt the last 56 amino acid(s) of the BCKDHB protein. This variant is present in population databases (rs772386574, gnomAD no frequency). This variant has not been reported in the literature in individuals affected with BCKDHB-related conditions. This variant disrupts a region of the BCKDHB protein in which other variant(s) (p.Arg387*) have been determined to be pathogenic (Invitae). This suggests that this is a clinically significant region of the protein, and that variants that disrupt it are likely to be disease-causing. For these reasons, this variant has been classified as Pathogenic.

NM_183050.4(BCKDHB):c.1007dup (p.Phe337fs)

Gene: BCKDHB (branched chain keto acid dehydrogenase E1 subunit beta; plus strand). Cytogenetic location: 6q14.1.
Variant type: Duplication.
Coding change: c.1007dup on transcript NM_183050.4 (MANE Select); coding-DNA position 1007, one base duplicated (G; older notation c.1007dupG).
Protein change: p.Phe337fs; shifts the reading frame from phenylalanine 337.
Molecular consequence: frameshift variant. On other transcripts: non-coding transcript variant (6).
Genome position (GRCh38, 1-based): chr6:80,273,190, G duplicated; the last of 2 consecutive G bases (chr6:80,273,189-80,273,190); duplicating either gives the same sequence. VCF-style (leftmost placement, unchanged base first): chr6-80273188-C-CG. GRCh37 (hg19) VCF-style: chr6-80982905-C-CG.
Other names: c.1007dup, p.Phe337fs (NM_000056.5, NM_001424035.1, NM_001424036.1 and 5 more transcripts); c.797dup, p.Phe267fs (NM_001318975.1, NM_001424043.1); short protein forms F267fs, F337fs.
Identifiers: ClinVar variation 2680141 (VCV002680141.6), dbSNP rs772386574, ClinGen allele CA3902824.
Genomic context (GRCh38, chr6:80,273,188, plus strand): 5'-CTTTCAGTCTGTGATCAAAACAGGGCGACTGCTAATCAGTCACGAGGCTCCCTTGACAGG[C>CG]GGCTTTGCATCGGAAATCAGCTCTACAGTTCAGGTAGAGTAATTTTTGGAACTGATTTCA-3'